The following is an entry in ClinVar:

ClinVar aggregate classification (germline): Uncertain significance (1 of 4 stars; one submission).

Conditions:
Hereditary cancer-predisposing syndrome. Also called: Neoplastic Syndromes, Hereditary; Tumor predisposition; Hereditary Cancer Syndrome; Hereditary neoplastic syndrome. Identifiers: Orphanet 140162, MedGen C0027672, MeSH D009386, MONDO:0015356.
Cardiovascular phenotype. Identifiers: MedGen CN230736.

Submission:

Ambry Genetics
Classification: Uncertain significance for Cardiovascular phenotype; Hereditary cancer-predisposing syndrome. Last evaluated: 2022-05-16. Review status: criteria provided, single submitter. Criteria: Ambry Variant Classification Scheme 2023. Collection method: clinical testing. Allele origin: germline.
Comment: The p.S259I variant (also known as c.776G>T), located in coding exon 8 of the NF1 gene, results from a G to T substitution at nucleotide position 776. The serine at codon 259 is replaced by isoleucine, an amino acid with dissimilar properties. This amino acid position is conserved. In addition, this alteration is predicted to be deleterious by in silico analysis. Since supporting evidence is limited at this time, the clinical significance of this alteration remains unclear.

NM_001042492.3(NF1):c.776G>T (p.Ser259Ile)

Gene: NF1 (neurofibromin 1; plus strand). Cytogenetic location: 17q11.2.
Variant type: single nucleotide variant.
Coding change: c.776G>T on transcript NM_001042492.3 (MANE Select); coding-DNA position 776, G replaced by T.
Protein change: p.Ser259Ile; replaces serine 259 with isoleucine.
Molecular consequence: missense variant.
Genome position (GRCh38, 1-based): chr17:31,182,553, G>T. VCF-style: chr17-31182553-G-T. GRCh37 (hg19) VCF-style: chr17-29509571-G-T.
Other names: c.776G>T, p.Ser259Ile (NM_000267.4, NM_001128147.3); short protein forms S259I.
Identifiers: ClinVar variation 1760544 (VCV001760544.2), dbSNP rs2066156591, ClinGen allele CA398990793.